The following is an entry in ClinVar:

ClinVar aggregate classification (germline): Uncertain significance (1 of 4 stars; one submission).

Allele frequency attached by ClinVar (database versions not stated): ESP Exome Variant Server 0.00008.
gnomAD v4.1: 1 of 1,614,220 alleles (0.000062%); highest among the groups gnomAD compares: South Asian, 0.0011%; no homozygotes.

Submission:

Labcorp Genetics (formerly Invitae), Labcorp
Classification: Uncertain significance. Last evaluated: 2022-08-31. Review status: criteria provided, single submitter. Criteria: Invitae Variant Classification Sherloc (09022015). Collection method: clinical testing. Allele origin: germline.
Comment: In summary, the available evidence is currently insufficient to determine the role of this variant in disease. Therefore, it has been classified as a Variant of Uncertain Significance. Advanced modeling of protein sequence and biophysical properties (such as structural, functional, and spatial information, amino acid conservation, physicochemical variation, residue mobility, and thermodynamic stability) performed at Invitae indicates that this missense variant is not expected to disrupt CPLANE1 protein function. This variant has not been reported in the literature in individuals affected with CPLANE1-related conditions. This variant is present in population databases (rs369870543, gnomAD 0.003%). This sequence change replaces leucine, which is neutral and non-polar, with valine, which is neutral and non-polar, at codon 2326 of the CPLANE1 protein (p.Leu2326Val).

NM_001384732.1(CPLANE1):c.6976T>G (p.Leu2326Val)

Gene: CPLANE1 (ciliogenesis and planar polarity effector complex subunit 1; minus strand). Cytogenetic location: 5p13.2.
Variant type: single nucleotide variant.
Coding change: c.6976T>G on transcript NM_001384732.1 (MANE Select); coding-DNA position 6976, T replaced by G.
Protein change: p.Leu2326Val; replaces leucine 2326 with valine.
Molecular consequence: missense variant.
Genome position (GRCh38, 1-based): chr5:37,169,048, A>C on the plus strand (T>G on the coding strand, the complement: CPLANE1 is on the minus strand). VCF-style: chr5-37169048-A-C. GRCh37 (hg19) VCF-style: chr5-37169150-A-C.
Other names: c.6976T>G, p.Leu2326Val (NM_023073.4); short protein forms L2326V.
Identifiers: ClinVar variation 1983452 (VCV001983452.2), dbSNP rs369870543, ClinGen allele CA3238161.
Genomic context (GRCh38, chr5:37,169,048, plus strand): 5'-GCTTAACATCAAATAGTTTTTCTGGTTTTATAAACACTGAAGAGTCCTGTTGAGGTGTCA[A>C]ATTTTCTTGTCCAACATATTGATCCAAGTTCACATGATTAGGAATTTCTGTAATTACAGT-3'
Protein context (NP_001371661.1, residues 2316-2336): NLDQYVGQEN[Leu2326Val]TPQQDSSVFI